The following is an entry in ClinVar:

NM_178012.5(TUBB2B):c.354T>C (p.Asp118=)

Gene: TUBB2B (tubulin beta 2B class IIb; minus strand). Cytogenetic location: 6p25.2.
Variant type: single nucleotide variant.
Coding change: c.354T>C on transcript NM_178012.5 (MANE Select); coding-DNA position 354, T replaced by C.
Protein change: p.Asp118=; no amino-acid change (aspartic acid 118 retained).
Molecular consequence: synonymous variant.
Genome position (GRCh38, 1-based): chr6:3,225,735, A>G on the plus strand (T>C on the coding strand, the complement: TUBB2B is on the minus strand). VCF-style: chr6-3225735-A-G. GRCh37 (hg19) VCF-style: chr6-3225969-A-G.
Identifiers: ClinVar variation 383792 (VCV000383792.9), dbSNP rs111726475, ClinGen allele CA3619205.

ClinVar aggregate classification (germline): Likely benign. Review status: criteria provided, multiple submitters, no conflicts (2 of 4 stars). 3 submissions from 3 submitters: Likely benign (3). Last evaluated 2024-11-08.

Allele frequency attached by ClinVar (database versions not stated): ExAC 0.00007; gnomAD exomes 0.00007; TOPMed 0.00014; ESP Exome Variant Server 0.00016; gnomAD 0.00016 and 0.00017.

Submissions (3):

Blueprint Genetics
Classification: Likely benign. Last evaluated: 2024-11-08. Review status: criteria provided, single submitter. Criteria: ACMG Guidelines, 2015. Collection method: clinical testing. Allele origin: germline.

Labcorp Genetics (formerly Invitae), Labcorp
Classification: Likely benign. Last evaluated: 2024-11-06. Review status: criteria provided, single submitter. Criteria: Invitae Variant Classification Sherloc (09022015). Collection method: clinical testing. Allele origin: germline.

GeneDx
Classification: Likely benign. Last evaluated: 2016-08-03. Review status: criteria provided, single submitter. Criteria: GeneDx Variant Classification (06012015). Collection method: clinical testing. Allele origin: germline. Affected: yes.
Comment: This variant is considered likely benign or benign based on one or more of the following criteria: it is a conservative change, it occurs at a poorly conserved position in the protein, it is predicted to be benign by multiple in silico algorithms, and/or has population frequency not consistent with disease.